The following is an entry in ClinVar:

ClinVar aggregate classification (germline): Uncertain significance (1 of 4 stars; one submission).

Submission:

Labcorp Genetics (formerly Invitae), Labcorp
Classification: Uncertain significance. Last evaluated: 2021-02-25. Review status: criteria provided, single submitter. Criteria: Invitae Variant Classification Sherloc (09022015). Collection method: clinical testing. Allele origin: germline.
Comment: This sequence change replaces lysine with glutamic acid at codon 49 of the TNFRSF11A protein (p.Lys49Glu). The lysine residue is moderately conserved and there is a small physicochemical difference between lysine and glutamic acid. This variant is not present in population databases (ExAC no frequency). This variant has not been reported in the literature in individuals with TNFRSF11A-related conditions. Algorithms developed to predict the effect of missense changes on protein structure and function are either unavailable or do not agree on the potential impact of this missense change (SIFT: "Tolerated"; PolyPhen-2: "Probably Damaging"; Align-GVGD: "Class C0"). In summary, the available evidence is currently insufficient to determine the role of this variant in disease. Therefore, it has been classified as a Variant of Uncertain Significance.

NM_003839.4(TNFRSF11A):c.145A>G (p.Lys49Glu)

Gene: TNFRSF11A (TNF receptor superfamily member 11a; plus strand). Cytogenetic location: 18q21.33.
Variant type: single nucleotide variant.
Coding change: c.145A>G on transcript NM_003839.4 (MANE Select); coding-DNA position 145, A replaced by G.
Protein change: p.Lys49Glu; replaces lysine 49 with glutamic acid.
Molecular consequence: missense variant.
Genome position (GRCh38, 1-based): chr18:62,348,237, A>G. VCF-style: chr18-62348237-A-G. GRCh37 (hg19) VCF-style: chr18-60015470-A-G.
Other names: c.145A>G, p.Lys49Glu (NM_001270949.2, NM_001270950.2, NM_001270951.2 and 1 more transcripts); short protein forms K49E.
Identifiers: ClinVar variation 1411914 (VCV001411914.8), dbSNP rs2145289453, ClinGen allele CA402609993.
Genomic context (GRCh38, chr18:62,348,237, plus strand): 5'-CAGATCGCTCCTCCATGTACCAGTGAGAAGCATTATGAGCATCTGGGACGGTGCTGTAAC[A>G]AATGTGAACCAGGTACACCTGCTTCTGAGCCACCTTGCATTGCCCCTCAAAAGTGGGTGA-3'
Protein context (NP_003830.1, residues 39-59): HYEHLGRCCN[Lys49Glu]CEPGKYMSSK